The following is an entry in ClinVar:

ClinVar aggregate classification (germline): Conflicting classifications of pathogenicity. Review status: criteria provided, conflicting classifications (1 of 4 stars). 3 submissions from 3 submitters: Uncertain significance (1); Likely benign (2). Last evaluated 2026-04-07.

Conditions:
Hypercalcemia, infantile, 2 (HCINF2). Identifiers: Orphanet 300547, MedGen C4310473, MONDO:0014851, OMIM 616963.
Hypophosphatemic nephrolithiasis/osteoporosis 1. Identifiers: Orphanet 244305, MedGen C2676786, MONDO:0012850, OMIM 612286.
Fanconi renotubular syndrome 2 (FRTS2). Identifiers: MedGen C3150652, MONDO:0013247, OMIM 613388.

Allele frequency attached by ClinVar (database versions not stated): gnomAD 0.00047 and 0.00050; 1000 Genomes Project 0.00080; gnomAD exomes 0.00021; TOPMed 0.00058; 1000 Genomes Project 30x 0.00062; ExAC 0.00026; ESP Exome Variant Server 0.00031.
gnomAD v4.1: 482 of 1,613,490 alleles (0.03%); highest among the groups gnomAD compares: African/African-American, 0.15%; no homozygotes.

Submissions (3):

GeneDx
Classification: Uncertain significance. Last evaluated: 2026-04-07. Review status: criteria provided, single submitter. Criteria: GeneDx Variant Classification Process June 2021. Collection method: clinical testing. Allele origin: germline.
Comment: See Variant Classification Assertion Criteria.

Labcorp Genetics (formerly Invitae), Labcorp
Classification: Likely benign. Last evaluated: 2026-01-12. Review status: criteria provided, single submitter. Criteria: Invitae Variant Classification Sherloc (09022015). Collection method: clinical testing. Allele origin: germline.

Fulgent Genetics
Classification: Likely benign for Hypophosphatemic nephrolithiasis/osteoporosis 1; Fanconi renotubular syndrome 2; Hypercalcemia, infantile, 2. Last evaluated: 2021-07-27. Review status: criteria provided, single submitter. Criteria: ACMG Guidelines, 2015. Collection method: clinical testing. Allele origin: unknown.

NM_003052.5(SLC34A1):c.621G>A (p.Ala207=)

Gene: SLC34A1 (solute carrier family 34 member 1; plus strand). Cytogenetic location: 5q35.3.
Variant type: single nucleotide variant.
Coding change: c.621G>A on transcript NM_003052.5 (MANE Select); coding-DNA position 621, G replaced by A.
Protein change: p.Ala207=; no amino-acid change (alanine 207 retained).
Molecular consequence: synonymous variant.
Genome position (GRCh38, 1-based): chr5:177,387,850, G>A. VCF-style: chr5-177387850-G-A. GRCh37 (hg19) VCF-style: chr5-176814851-G-A.
Other names: c.621G>A, p.Ala207= (NM_001167579.2).
Identifiers: ClinVar variation 733654 (VCV000733654.10), dbSNP rs137909349, ClinGen allele CA3580454.
Genomic context (GRCh38, chr5:177,387,850, plus strand): 5'-CATCATGGGCTCCAACATCGGCACCTCTGTCACCAACACCATCGTGGCCCTGATGCAGGC[G>A]GGGGACAGGACTGACTTCCGGCGGTGAGGGGGGCTGGGGGTTGGGGGCTCGTGCCTGGGG-3'
Protein context (NP_003043.3, residues 197-217): VTNTIVALMQ[Ala207=]GDRTDFRRAF